The following is an entry in ClinVar:

NM_001033855.3(DCLRE1C):c.1636C>G (p.Gln546Glu)

Gene: DCLRE1C (DNA cross-link repair 1C; minus strand). Cytogenetic location: 10p13.
Variant type: single nucleotide variant.
Coding change: c.1636C>G on transcript NM_001033855.3 (MANE Select); coding-DNA position 1636, C replaced by G.
Protein change: p.Gln546Glu; replaces glutamine 546 with glutamic acid.
Molecular consequence: missense variant. On other transcripts: non-coding transcript variant (4).
Genome position (GRCh38, 1-based): chr10:14,908,851, G>C on the plus strand (C>G on the coding strand, the complement: DCLRE1C is on the minus strand). VCF-style: chr10-14908851-G-C. GRCh37 (hg19) VCF-style: chr10-14950850-G-C.
Other names: c.1276C>G, p.Gln426Glu (NM_001033857.3, NM_001033858.3, NM_001289077.2 and 2 more transcripts); c.1291C>G, p.Gln431Glu (NM_001289076.2, NM_001289078.2, NM_001350966.2 and 1 more transcripts); c.1636C>G, p.Gln546Glu (NM_001350965.2); short protein forms Q431E, Q546E, Q426E.
Identifiers: ClinVar variation 2167843 (VCV002167843.1), dbSNP rs183622528, ClinGen allele CA5416442.
Genomic context (GRCh38, chr10:14,908,851, plus strand): 5'-TTCTCTCTTGGGAAGATAACAAAACAGTATCAGATTGGCTGTCCCAGCCTTGACTTCCTT[G>C]TTCTGTTATGTGTGTTGACTGGGAAGAATTCTGGGAGGAGATGTGAGTTGATTCTCCATC-3'
Protein context (NP_001029027.1, residues 536-556): NSSQSTHITE[Gln546Glu]GSQGWDSQSD

ClinVar aggregate classification (germline): Uncertain significance (1 of 4 stars; one submission).

Conditions:
Severe combined immunodeficiency due to DCLRE1C deficiency (RS-SCID). Also called: SCID, AUTOSOMAL RECESSIVE, T CELL-NEGATIVE, B CELL-NEGATIVE, NK CELL-POSITIVE, WITH SENSITIVITY TO IONIZING RADIATION. Identifiers: Orphanet 275, MedGen C1865371, MONDO:0011225, OMIM 602450.

Allele frequency attached by ClinVar (database versions not stated): ExAC 0.00007; 1000 Genomes Project 0.00060; 1000 Genomes Project 30x 0.00062; TOPMed 0.00004; gnomAD exomes 0.00001; gnomAD 0.00005.

Submission:

Labcorp Genetics (formerly Invitae), Labcorp
Classification: Uncertain significance for Athabaskan severe combined immunodeficiency. Last evaluated: 2021-08-30. Review status: criteria provided, single submitter. Criteria: Invitae Variant Classification Sherloc (09022015). Collection method: clinical testing. Allele origin: germline.
Comment: This sequence change replaces glutamine with glutamic acid at codon 546 of the DCLRE1C protein (p.Gln546Glu). The glutamine residue is moderately conserved and there is a small physicochemical difference between glutamine and glutamic acid. This variant is present in population databases (rs183622528, ExAC 0.09%). This variant has not been reported in the literature in individuals affected with DCLRE1C-related conditions. Algorithms developed to predict the effect of missense changes on protein structure and function (SIFT, PolyPhen-2, Align-GVGD) all suggest that this variant is likely to be tolerated. In summary, the available evidence is currently insufficient to determine the role of this variant in disease. Therefore, it has been classified as a Variant of Uncertain Significance.